The following is an entry in ClinVar:

ClinVar aggregate classification (germline): Conflicting classifications of pathogenicity. Review status: criteria provided, conflicting classifications (1 of 4 stars). 2 submissions from 2 submitters: Uncertain significance (1); Likely benign (1). Last evaluated 2025-10-01.

Allele frequency attached by ClinVar (database versions not stated): ExAC 0.00003; gnomAD 0.00004; TOPMed 0.00005; gnomAD exomes 0.00006; ESP Exome Variant Server 0.00008.
gnomAD v4.1: 100 of 1,607,964 alleles (0.0062%); highest among the groups gnomAD compares: Middle Eastern, 0.016%; no homozygotes.

Submissions (2):

CeGaT Center for Human Genetics Tuebingen
Classification: Likely benign. Last evaluated: 2025-10-01. Review status: criteria provided, single submitter. Criteria: CeGaT Center For Human Genetics Tuebingen Variant Classification Criteria Version 2. Collection method: clinical testing. Allele origin: germline. Affected: yes. Observed: 1 variant allele.
Comment: BRD4: PP2, BS2

Labcorp Genetics (formerly Invitae), Labcorp
Classification: Uncertain significance. Last evaluated: 2023-03-22. Review status: criteria provided, single submitter. Criteria: Invitae Variant Classification Sherloc (09022015). Collection method: clinical testing. Allele origin: germline.
Comment: In summary, the available evidence is currently insufficient to determine the role of this variant in disease. Therefore, it has been classified as a Variant of Uncertain Significance. An algorithm developed to predict the effect of missense changes on protein structure and function (PolyPhen-2) suggests that this variant is likely to be disruptive. This variant has not been reported in the literature in individuals affected with BRD4-related conditions. This variant is present in population databases (rs199839337, gnomAD 0.007%). This sequence change replaces arginine, which is basic and polar, with cysteine, which is neutral and slightly polar, at codon 1121 of the BRD4 protein (p.Arg1121Cys).

NM_001379291.1(BRD4):c.3361C>T (p.Arg1121Cys)

Gene: BRD4 (bromodomain containing 4; minus strand). Cytogenetic location: 19p13.12.
Variant type: single nucleotide variant.
Coding change: c.3361C>T on transcript NM_001379291.1 (MANE Select); coding-DNA position 3361, C replaced by T.
Protein change: p.Arg1121Cys; replaces arginine 1121 with cysteine.
Molecular consequence: missense variant.
Genome position (GRCh38, 1-based): chr19:15,239,743, G>A on the plus strand (C>T on the coding strand, the complement: BRD4 is on the minus strand). VCF-style: chr19-15239743-G-A. GRCh37 (hg19) VCF-style: chr19-15350554-G-A.
Other names: c.3361C>T, p.Arg1121Cys (NM_058243.3); short protein forms R1121C.
Identifiers: ClinVar variation 2894963 (VCV002894963.9), dbSNP rs199839337, ClinGen allele CA9264702.
Genomic context (GRCh38, chr19:15,239,743, plus strand): 5'-TGATGCTCTCCGGGTGCTTGGGGGGCTCCGGCCGCAGCGAGGGGCTGAAGGGCTCGCTGC[G>A]GATGATGGGTGAGTGGATCTTCTCCTCCTTCACCACCACGAGGGGCTGGGGCTGGACCAC-3'
Protein context (NP_001366220.1, residues 1111-1131): KEEKIHSPII[Arg1121Cys]SEPFSPSLRP